The following is an entry in ClinVar:

ClinVar aggregate classification (germline): Uncertain significance (1 of 4 stars; one submission).

Submission:

Labcorp Genetics (formerly Invitae), Labcorp
Classification: Uncertain significance. Last evaluated: 2023-08-10. Review status: criteria provided, single submitter. Criteria: Invitae Variant Classification Sherloc (09022015). Collection method: clinical testing. Allele origin: germline.
Comment: This sequence change replaces serine, which is neutral and polar, with proline, which is neutral and non-polar, at codon 317 of the CLCN7 protein (p.Ser317Pro). This variant is not present in population databases (gnomAD no frequency). This variant has not been reported in the literature in individuals affected with CLCN7-related conditions. ClinVar contains an entry for this variant (Variation ID: 1471769). Advanced modeling of protein sequence and biophysical properties (such as structural, functional, and spatial information, amino acid conservation, physicochemical variation, residue mobility, and thermodynamic stability) performed at Invitae indicates that this missense variant is expected to disrupt CLCN7 protein function. In summary, the available evidence is currently insufficient to determine the role of this variant in disease. Therefore, it has been classified as a Variant of Uncertain Significance.

NM_001287.6(CLCN7):c.949T>C (p.Ser317Pro)

Gene: CLCN7 (chloride voltage-gated channel 7; minus strand). Cytogenetic location: 16p13.3.
Variant type: single nucleotide variant.
Coding change: c.949T>C on transcript NM_001287.6 (MANE Select); coding-DNA position 949, T replaced by C.
Protein change: p.Ser317Pro; replaces serine 317 with proline.
Molecular consequence: missense variant.
Genome position (GRCh38, 1-based): chr16:1,455,763, A>G on the plus strand (T>C on the coding strand, the complement: CLCN7 is on the minus strand). VCF-style: chr16-1455763-A-G. GRCh37 (hg19) VCF-style: chr16-1505764-A-G.
Other names: c.877T>C, p.Ser293Pro (NM_001114331.3); short protein forms S317P, S293P.
Identifiers: ClinVar variation 1471769 (VCV001471769.6), dbSNP rs2142379332, ClinGen allele CA394190028.